The following is an entry in ClinVar:

ClinVar aggregate classification (germline): Conflicting classifications of pathogenicity. Review status: criteria provided, conflicting classifications (1 of 4 stars). 5 submissions from 5 submitters: Uncertain significance (4); Likely benign (1). Last evaluated 2025-08-07.

Conditions:
PKHD1-related disorder. Also called: PKHD1-related condition.
Polycystic kidney disease 4 (PKD4). Also called: POLYCYSTIC KIDNEY DISEASE 4 WITH OR WITHOUT POLYCYSTIC LIVER DISEASE; Autosomal Recessive Polycystic Kidney Disease – PKHD1; POLYCYSTIC KIDNEY AND HEPATIC DISEASE 1; POLYCYSTIC KIDNEY DISEASE, INFANTILE, TYPE I; PKD3. Identifiers: MedGen C4540575, MONDO:0033004, OMIM 263200.
Autosomal recessive polycystic kidney disease (ARPKD). Also called: AR polycystic kidney disease. Identifiers: Orphanet 731, Orphanet 8378, MedGen C0085548, MeSH D017044, MONDO:0009889.

Allele frequency attached by ClinVar (database versions not stated): gnomAD exomes 0.00002 and 0.00004; gnomAD 0.00005 and 0.00006; ExAC 0.00007; TOPMed 0.00008.
gnomAD v4.1: 41 of 1,613,890 alleles (0.0025%); highest among the groups gnomAD compares: Middle Eastern, 0.016%; no homozygotes.

Submissions (5):

3billion
Classification: Uncertain significance for Polycystic kidney disease 4. Last evaluated: 2025-08-07. Review status: criteria provided, single submitter. Criteria: ACMG Guidelines, 2015. Collection method: clinical testing. Allele origin: germline. Affected: yes.
Comment: The variant is observed at an extremely low frequency in the gnomAD v4.1.0 dataset (total allele frequency: 0.003%). Predicted Consequence/Location: Intron variant In silico tools predict the variant to alter splicing and produce an abnormal transcript [SpliceAI: 0.34 (>=0.2, moderate evidence for spliceogenicity)]. The variant has been reported as of uncertain significance (ClinVar ID: VCV000598069). Therefore, this variant is classified as VUS according to the recommendation of ACMG/AMP guideline.

PreventionGenetics, part of Exact Sciences
Classification: Likely benign for PKHD1-related condition. Last evaluated: 2025-02-13. Review status: criteria provided, single submitter. Criteria: ACMG Guidelines, 2015. Collection method: clinical testing. Allele origin: germline.
Comment: This variant is classified as likely benign based on ACMG/AMP sequence variant interpretation guidelines (Richards et al. 2015 PMID: 25741868, with internal and published modifications).

Labcorp Genetics (formerly Invitae), Labcorp
Classification: Uncertain significance for Autosomal recessive polycystic kidney disease. Last evaluated: 2024-10-22. Review status: criteria provided, single submitter. Criteria: Invitae Variant Classification Sherloc (09022015). Collection method: clinical testing. Allele origin: germline.
Comment: This sequence change falls in intron 23 of the PKHD1 gene. It does not directly change the encoded amino acid sequence of the PKHD1 protein. It affects a nucleotide within the consensus splice site. This variant is present in population databases (rs767994974, gnomAD 0.01%). This variant has not been reported in the literature in individuals affected with PKHD1-related conditions. ClinVar contains an entry for this variant (Variation ID: 598069). Variants that disrupt the consensus splice site are a relatively common cause of aberrant splicing (PMID: 17576681, 9536098). Algorithms developed to predict the effect of sequence changes on RNA splicing suggest that this variant is not likely to affect RNA splicing. In summary, the available evidence is currently insufficient to determine the role of this variant in disease. Therefore, it has been classified as a Variant of Uncertain Significance.

Women's Health and Genetics/Laboratory Corporation of America, LabCorp
Classification: Uncertain significance. Last evaluated: 2024-08-31. Review status: criteria provided, single submitter. Criteria: LabCorp Variant Classification Summary - May 2015. Collection method: clinical testing. Allele origin: germline.

Eurofins Ntd Llc (ga)
Classification: Uncertain significance. Last evaluated: 2018-07-17. Review status: criteria provided, single submitter. Criteria: EGL ClinVar v180209 classification definitions. Collection method: clinical testing. Allele origin: germline. Observed: 1 variant allele, 1 heterozygote.

Literature cited by the submitters: PubMed 17576681 (cited by Labcorp Genetics (formerly Invitae), Labcorp); PubMed 9536098 (cited by Labcorp Genetics (formerly Invitae), Labcorp).

NM_138694.4(PKHD1):c.2407+5A>G

Gene: PKHD1 (PKHD1 ciliary IPT domain containing fibrocystin/polyductin; minus strand). Cytogenetic location: 6p12.2.
Variant type: single nucleotide variant.
Coding change: c.2407+5A>G on transcript NM_138694.4 (MANE Select); 5 bases into the intron after coding-DNA position 2407, A replaced by G.
Molecular consequence: intron variant.
Genome position (GRCh38, 1-based): chr6:52,048,487, T>C on the plus strand (A>G on the coding strand, the complement: PKHD1 is on the minus strand). VCF-style: chr6-52048487-T-C. GRCh37 (hg19) VCF-style: chr6-51913285-T-C.
Other names: c.2407+5A>G (NM_170724.3, NM_138694.3).
Identifiers: ClinVar variation 598069 (VCV000598069.10), dbSNP rs767994974, ClinGen allele CA3853233.